The following is an entry in ClinVar:

ClinVar aggregate classification (germline): Uncertain significance (1 of 4 stars; one submission).

Conditions:
Developmental and epileptic encephalopathy, 54. Also called: Epileptic encephalopathy, early infantile, 54; HNRNPU-Related Neurodevelopmental Disorder. Identifiers: MedGen C4479319, MONDO:0033363, OMIM 617391.

Allele frequency attached by ClinVar (database versions not stated): TOPMed 0.00001.
gnomAD v4.1: 1 of 1,613,104 alleles (0.000062%); highest among the groups gnomAD compares: Non-Finnish European, 0.000085%; no homozygotes.

Submission:

Labcorp Genetics (formerly Invitae), Labcorp
Classification: Uncertain significance for Developmental and epileptic encephalopathy, 54. Last evaluated: 2021-05-26. Review status: criteria provided, single submitter. Criteria: Invitae Variant Classification Sherloc (09022015). Collection method: clinical testing. Allele origin: germline.
Comment: This sequence change replaces asparagine with tyrosine at codon 783 of the HNRNPU protein (p.Asn783Tyr). The asparagine residue is moderately conserved and there is a large physicochemical difference between asparagine and tyrosine. This variant is not present in population databases (ExAC no frequency). This variant has not been reported in the literature in individuals with HNRNPU-related conditions. Algorithms developed to predict the effect of missense changes on protein structure and function are either unavailable or do not agree on the potential impact of this missense change (SIFT: "Deleterious"; PolyPhen-2: "Not Available"; Align-GVGD: "Class C15"). In summary, the available evidence is currently insufficient to determine the role of this variant in disease. Therefore, it has been classified as a Variant of Uncertain Significance.

NM_031844.3(HNRNPU):c.2347A>T (p.Asn783Tyr)

Gene: HNRNPU (heterogeneous nuclear ribonucleoprotein U; minus strand). Cytogenetic location: 1q44.
Variant type: single nucleotide variant.
Coding change: c.2347A>T on transcript NM_031844.3 (MANE Select); coding-DNA position 2347, A replaced by T.
Protein change: p.Asn783Tyr; replaces asparagine 783 with tyrosine.
Molecular consequence: missense variant.
Genome position (GRCh38, 1-based): chr1:244,855,429, T>A on the plus strand (A>T on the coding strand, the complement: HNRNPU is on the minus strand). VCF-style: chr1-244855429-T-A. GRCh37 (hg19) VCF-style: chr1-245018731-T-A.
Other names: c.2290A>T, p.Asn764Tyr (NM_004501.3); short protein forms N764Y, N783Y.
Identifiers: ClinVar variation 1473456 (VCV001473456.8), dbSNP rs925350951, ClinGen allele CA40499043.